The following is an entry in ClinVar:

ClinVar aggregate classification (germline): Likely benign (1 of 4 stars; one submission).

gnomAD v4.1: 41 of 1,613,950 alleles (0.0025%); highest among the groups gnomAD compares: Admixed American, 0.0033%; no homozygotes.

Submission:

CeGaT Center for Human Genetics Tuebingen
Classification: Likely benign. Last evaluated: 2025-05-01. Review status: criteria provided, single submitter. Criteria: CeGaT Center For Human Genetics Tuebingen Variant Classification Criteria Version 2. Collection method: clinical testing. Allele origin: germline. Affected: yes. Observed: 1 variant allele.
Comment: FNTB: BP4, BP7

NM_002028.4(FNTB):c.585C>T (p.Val195=)

Genes: CHURC1-FNTB (CHURC1-FNTB readthrough; plus strand), FNTB (farnesyltransferase, CAAX box, subunit beta; plus strand), MAX (MYC associated transcriptional regulator X; minus strand). Cytogenetic location: 14q23.3.
Variant type: single nucleotide variant.
Coding change: c.585C>T on transcript NM_002028.4 (MANE Select); coding-DNA position 585, C replaced by T.
Protein change: p.Val195=; no amino-acid change (valine 195 retained).
Molecular consequence: synonymous variant. On other transcripts: intron variant (2).
Genome position (GRCh38, 1-based): chr14:65,027,761, C>T. VCF-style: chr14-65027761-C-T. GRCh37 (hg19) VCF-style: chr14-65494479-C-T.
Other names: c.447C>T, p.Val149= (NM_001202558.2); c.768C>T, p.Val256= (NM_001202559.1); c.145-21477G>A (NM_001271069.2); c.172-21477G>A (NM_197957.4).
Identifiers: ClinVar variation 3905034 (VCV003905034.10).